The following is an entry in ClinVar:

ClinVar aggregate classification (germline): Uncertain significance. Review status: criteria provided, multiple submitters, no conflicts (2 of 4 stars). 3 submissions from 3 submitters: Uncertain significance (3). Last evaluated 2026-03-31.

Conditions:
Neuropathy, hereditary motor and sensory, type 6B (HMSN6B). Also called: HMSN VIB; CHARCOT-MARIE-TOOTH DISEASE, TYPE 6B; Neuropathy, hereditary motor and sensory, type VIB; NEUROPATHY, HEREDITARY MOTOR AND SENSORY, TYPE VIB, WITH OPTIC ATROPHY. Identifiers: MedGen C4225302, MONDO:0014671, OMIM 616505.
Inborn genetic diseases. Identifiers: MedGen C0950123, MeSH D030342.

Allele frequency attached by ClinVar (database versions not stated): gnomAD exomes below 0.00001 and 0.00001; TOPMed 0.00001; ExAC 0.00001; gnomAD 0.00002.

Submissions (3):

GeneDx
Classification: Uncertain significance. Last evaluated: 2026-03-31. Review status: criteria provided, single submitter. Criteria: GeneDx Variant Classification Process June 2021. Collection method: clinical testing. Allele origin: germline.
Comment: Not observed at significant frequency in large population cohorts (gnomAD); In silico analysis suggests that this missense variant does not alter protein structure/function; Has not been previously published as pathogenic or benign to our knowledge

Ambry Genetics
Classification: Uncertain significance for Inborn genetic diseases. Last evaluated: 2025-08-23. Review status: criteria provided, single submitter. Criteria: Ambry Variant Classification Scheme 2023. Collection method: clinical testing. Allele origin: germline.

Labcorp Genetics (formerly Invitae), Labcorp
Classification: Uncertain significance for Neuropathy, hereditary motor and sensory, type 6B. Last evaluated: 2022-07-05. Review status: criteria provided, single submitter. Criteria: Invitae Variant Classification Sherloc (09022015). Collection method: clinical testing. Allele origin: germline.
Comment: This sequence change replaces cysteine, which is neutral and slightly polar, with phenylalanine, which is neutral and non-polar, at codon 326 of the SLC25A46 protein (p.Cys326Phe). This variant is present in population databases (rs762881271, gnomAD 0.0009%). This variant has not been reported in the literature in individuals affected with SLC25A46-related conditions. ClinVar contains an entry for this variant (Variation ID: 651223). Algorithms developed to predict the effect of missense changes on protein structure and function (SIFT, PolyPhen-2, Align-GVGD) all suggest that this variant is likely to be tolerated. In summary, the available evidence is currently insufficient to determine the role of this variant in disease. Therefore, it has been classified as a Variant of Uncertain Significance.

NM_138773.4(SLC25A46):c.977G>T (p.Cys326Phe)

Gene: SLC25A46 (solute carrier family 25 member 46; plus strand). Cytogenetic location: 5q22.1.
Variant type: single nucleotide variant.
Coding change: c.977G>T on transcript NM_138773.4 (MANE Select); coding-DNA position 977, G replaced by T.
Protein change: p.Cys326Phe; replaces cysteine 326 with phenylalanine.
Molecular consequence: missense variant. On other transcripts: non-coding transcript variant (1).
Genome position (GRCh38, 1-based): chr5:110,761,502, G>T. VCF-style: chr5-110761502-G-T. GRCh37 (hg19) VCF-style: chr5-110097202-G-T.
Other names: c.734G>T, p.Cys245Phe (NM_001303249.3); c.704G>T, p.Cys235Phe (NM_001303250.3); short protein forms C235F, C326F, C245F.
Identifiers: ClinVar variation 651223 (VCV000651223.9), dbSNP rs762881271, ClinGen allele CA3364788.
Genomic context (GRCh38, chr5:110,761,502, plus strand): 5'-TGCAGAGTATGTTGGATGCTTATTTTCCAGAACTTATTGCTAACTTTGCTGCCAGTCTTT[G>T]TTCTGACGTTATACTTTACCCATTGGAAACAGTTTTGCACCGCCTTCACATTCAAGGAAC-3'
Protein context (NP_620128.1, residues 316-336): ELIANFAASL[Cys326Phe]SDVILYPLET